The following is an entry in ClinVar:

NM_198578.4(LRRK2):c.3398T>C (p.Ile1133Thr)

Gene: LRRK2 (leucine rich repeat kinase 2; plus strand). Cytogenetic location: 12q12.
Variant type: single nucleotide variant.
Coding change: c.3398T>C on transcript NM_198578.4 (MANE Select); coding-DNA position 3398, T replaced by C.
Protein change: p.Ile1133Thr; replaces isoleucine 1133 with threonine.
Molecular consequence: missense variant.
Genome position (GRCh38, 1-based): chr12:40,299,159, T>C. VCF-style: chr12-40299159-T-C. GRCh37 (hg19) VCF-style: chr12-40692961-T-C.
Other names: short protein forms I1133T.
Identifiers: ClinVar variation 2567335 (VCV002567335.2), dbSNP rs2499756641, ClinGen allele CA384415619.

ClinVar aggregate classification (germline): Uncertain significance (1 of 4 stars; one submission).

Conditions:
Inborn genetic diseases. Identifiers: MedGen C0950123, MeSH D030342.

Submission:

Ambry Genetics
Classification: Uncertain significance for Inborn genetic diseases. Last evaluated: 2023-03-26. Review status: criteria provided, single submitter. Criteria: Ambry Variant Classification Scheme 2023. Collection method: clinical testing. Allele origin: germline.
Comment: The p.I1133T variant (also known as c.3398T>C), located in coding exon 25 of the LRRK2 gene, results from a T to C substitution at nucleotide position 3398. The isoleucine at codon 1133 is replaced by threonine, an amino acid with similar properties. This amino acid position is conserved. In addition, this alteration is predicted to be tolerated by in silico analysis. Since supporting evidence is limited at this time, the clinical significance of this alteration remains unclear.